The following is an entry in ClinVar:

ClinVar aggregate classification (germline): Uncertain significance (1 of 4 stars; one submission).

Conditions:
Progressive myoclonic epilepsy. Also called: Familial progressive myoclonic epilepsy; Myoclonus epilepsy; Progressive myoclonus epilepsy; Myoclonic Epilepsies, Progressive. Identifiers: Orphanet 308, Orphanet 98261, MedGen C0751778, MONDO:0020074.

Allele frequency attached by ClinVar (database versions not stated): gnomAD exomes below 0.00001; ExAC 0.00001.

Submission:

Labcorp Genetics (formerly Invitae), Labcorp
Classification: Uncertain significance for Progressive myoclonic epilepsy. Last evaluated: 2021-09-01. Review status: criteria provided, single submitter. Criteria: Invitae Variant Classification Sherloc (09022015). Collection method: clinical testing. Allele origin: germline.
Comment: This sequence change replaces glutamine with proline at codon 16 of the GOSR2 protein (p.Gln16Pro). The glutamine residue is highly conserved and there is a moderate physicochemical difference between glutamine and proline. This variant is present in population databases (rs746688685, ExAC 0.002%). This variant has not been reported in the literature in individuals affected with GOSR2-related conditions. Algorithms developed to predict the effect of missense changes on protein structure and function are either unavailable or do not agree on the potential impact of this missense change (SIFT: "Deleterious"; PolyPhen-2: "Benign"; Align-GVGD: "Class C25"). In summary, the available evidence is currently insufficient to determine the role of this variant in disease. Therefore, it has been classified as a Variant of Uncertain Significance.

NM_004287.5(GOSR2):c.47A>C (p.Gln16Pro)

Genes: GOSR2 (golgi SNAP receptor complex member 2; plus strand), LRRC37A2 (leucine rich repeat containing 37 member A2). Cytogenetic location: 17q21.32.
Variant type: single nucleotide variant.
Coding change: c.47A>C on transcript NM_004287.5 (MANE Select); coding-DNA position 47, A replaced by C.
Protein change: p.Gln16Pro; replaces glutamine 16 with proline.
Molecular consequence: missense variant. On other transcripts: 5 prime UTR variant (2), non-coding transcript variant (3).
Genome position (GRCh38, 1-based): chr17:46,929,537, A>C. VCF-style: chr17-46929537-A-C. GRCh37 (hg19) VCF-style: chr17-45006903-A-C.
Other names: c.47A>C, p.Gln16Pro (NM_001012511.3, NM_001321133.2, NM_001330252.2 and 4 more transcripts); c.-8A>C (NM_001321134.2, NM_001363851.2); short protein forms Q16P.
Identifiers: ClinVar variation 652749 (VCV000652749.6), dbSNP rs746688685, ClinGen allele CA8621123.